The following is an entry in ClinVar:

NM_003579.4(RAD54L):c.1924A>G (p.Ser642Gly)

Genes: LRRC41 (leucine rich repeat containing 41; minus strand), RAD54L (RAD54 like; plus strand). Cytogenetic location: 1p34.1.
Variant type: single nucleotide variant.
Coding change: c.1924A>G on transcript NM_003579.4 (MANE Select); coding-DNA position 1924, A replaced by G.
Protein change: p.Ser642Gly; replaces serine 642 with glycine.
Molecular consequence: missense variant. On other transcripts: 3 prime UTR variant (1).
Genome position (GRCh38, 1-based): chr1:46,277,871, A>G. VCF-style: chr1-46277871-A-G. GRCh37 (hg19) VCF-style: chr1-46743543-A-G.
Other names: c.*994T>C (NM_006369.5); c.1924A>G, p.Ser642Gly (NM_001142548.2); c.1384A>G, p.Ser462Gly (NM_001370766.1); short protein forms S642G, S462G.
Identifiers: ClinVar variation 3429776 (VCV003429776.1).

ClinVar aggregate classification (germline): Uncertain significance (1 of 4 stars; one submission).

Submission:

Ambry Genetics
Classification: Uncertain significance. Last evaluated: 2024-07-11. Review status: criteria provided, single submitter. Criteria: Ambry Variant Classification Scheme 2023. Collection method: clinical testing. Allele origin: germline.
Comment: The p.S642G variant (also known as c.1924A>G), located in coding exon 17 of the RAD54L gene, results from an A to G substitution at nucleotide position 1924. The serine at codon 642 is replaced by glycine, an amino acid with similar properties. This amino acid position is conserved. In addition, the in silico prediction for this alteration is inconclusive. Based on the available evidence, the clinical significance of this variant remains unclear.